The following is an entry in ClinVar:

ClinVar aggregate classification (germline): Uncertain significance (1 of 4 stars; one submission).

gnomAD v4.1: 1 of 1,549,614 alleles (0.000065%); no homozygotes.

Submission:

Labcorp Genetics (formerly Invitae), Labcorp
Classification: Uncertain significance. Last evaluated: 2022-05-16. Review status: criteria provided, single submitter. Criteria: Invitae Variant Classification Sherloc (09022015). Collection method: clinical testing. Allele origin: germline.
Comment: In summary, the available evidence is currently insufficient to determine the role of this variant in disease. Therefore, it has been classified as a Variant of Uncertain Significance. This variant disrupts the p.Ile1232 amino acid residue in EYS. Other variant(s) that disrupt this residue have been observed in individuals with EYS-related conditions (PMID: 20333770, 29159838), which suggests that this may be a clinically significant amino acid residue. Algorithms developed to predict the effect of missense changes on protein structure and function output the following: SIFT: "Tolerated"; PolyPhen-2: "Benign"; Align-GVGD: "Class C0". The asparagine amino acid residue is found in multiple mammalian species, which suggests that this missense change does not adversely affect protein function. This variant has not been reported in the literature in individuals affected with EYS-related conditions. This variant is not present in population databases (gnomAD no frequency). This sequence change replaces isoleucine, which is neutral and non-polar, with asparagine, which is neutral and polar, at codon 1232 of the EYS protein (p.Ile1232Asn).

Literature cited by the submitters: PubMed 20333770; PubMed 29159838.

NM_001142800.2(EYS):c.3695T>A (p.Ile1232Asn)

Gene: EYS (EGF-like photoreceptor maintenance factor; minus strand). Cytogenetic location: 6q12.
Variant type: single nucleotide variant.
Coding change: c.3695T>A on transcript NM_001142800.2 (MANE Select); coding-DNA position 3695, T replaced by A.
Protein change: p.Ile1232Asn; replaces isoleucine 1232 with asparagine.
Molecular consequence: missense variant.
Genome position (GRCh38, 1-based): chr6:64,593,299, A>T on the plus strand (T>A on the coding strand, the complement: EYS is on the minus strand). VCF-style: chr6-64593299-A-T. GRCh37 (hg19) VCF-style: chr6-65303192-A-T.
Other names: c.3695T>A, p.Ile1232Asn (NM_001292009.2); short protein forms I1232N.
Identifiers: ClinVar variation 2123795 (VCV002123795.4), dbSNP rs146413074, ClinGen allele CA364784928.
Genomic context (GRCh38, chr6:64,593,299, plus strand): 5'-CTTTGAAAGATGGGAGTTAAACAGGTAATTCTCCTTATTTCATCACCACAAAGAAGCCCA[A>T]TGGAGCAGGTCTGCAAATGACAATTACAGTAATTAAATTAAGCTCAGTTTCTTTGTTCCT-3'
Protein context (NP_001136272.1, residues 1222-1242): LCTPGFMTCS[Ile1232Asn]GLLCGDEIRR